The following is an entry in ClinVar:

ClinVar aggregate classification (germline): Likely benign (0 of 4 stars; one submission).

Conditions:
UCP3-related disorder. Also called: UCP3-related condition.

Submission:

PreventionGenetics, part of Exact Sciences
Classification: Likely benign for UCP3-related condition. Last evaluated: 2023-08-17. Review status: no assertion criteria provided. Collection method: clinical testing. Allele origin: germline.
Comment: This variant is classified as likely benign based on ACMG/AMP sequence variant interpretation guidelines (Richards et al. 2015 PMID: 25741868, with internal and published modifications).

NM_003356.4(UCP3):c.756G>A (p.Gln252=)

Gene: UCP3 (uncoupling protein 3; minus strand). Cytogenetic location: 11q13.4.
Variant type: single nucleotide variant.
Coding change: c.756G>A on transcript NM_003356.4 (MANE Select); coding-DNA position 756, G replaced by A.
Protein change: p.Gln252=; no amino-acid change (glutamine 252 retained).
Molecular consequence: synonymous variant.
Genome position (GRCh38, 1-based): chr11:74,003,895, C>T on the plus strand (G>A on the coding strand, the complement: UCP3 is on the minus strand). VCF-style: chr11-74003895-C-T. GRCh37 (hg19) VCF-style: chr11-73714940-C-T.
Other names: c.756G>A, p.Gln252= (NM_022803.3).
Identifiers: ClinVar variation 3349671 (VCV003349671.1).